The following is an entry in ClinVar:

NM_002691.4(POLD1):c.193G>C (p.Val65Leu)

Gene: POLD1 (DNA polymerase delta 1, catalytic subunit; plus strand). Cytogenetic location: 19q13.33.
Variant type: single nucleotide variant.
Coding change: c.193G>C on transcript NM_002691.4 (MANE Select); coding-DNA position 193, G replaced by C.
Protein change: p.Val65Leu; replaces valine 65 with leucine.
Molecular consequence: missense variant. On other transcripts: non-coding transcript variant (1).
Genome position (GRCh38, 1-based): chr19:50,399,044, G>C. VCF-style: chr19-50399044-G-C. GRCh37 (hg19) VCF-style: chr19-50902301-G-C.
Other names: c.193G>C, p.Val65Leu (NM_001256849.1, NM_001308632.1); short protein forms V65L.
Identifiers: ClinVar variation 537055 (VCV000537055.17), dbSNP rs975951740, ClinGen allele CA309597910.

ClinVar aggregate classification (germline): Conflicting classifications of pathogenicity. Review status: criteria provided, conflicting classifications (1 of 4 stars). 3 submissions from 3 submitters: Uncertain significance (2); Likely benign (1). Last evaluated 2025-11-12.

Conditions:
Hereditary cancer-predisposing syndrome. Also called: Tumor predisposition; Neoplastic Syndromes, Hereditary; Hereditary Cancer Syndrome; Hereditary neoplastic syndrome. Identifiers: Orphanet 140162, MedGen C0027672, MeSH D009386, MONDO:0015356.
POLD1-related polyposis and colorectal cancer syndrome (CRCS10). Also called: Colorectal cancer 10; COLORECTAL CANCER, SUSCEPTIBILITY TO, ON CHROMOSOME 19q; Colorectal cancer, susceptibility to, 10. Identifiers: Orphanet 220460, MedGen C2675481, MONDO:0012953, OMIM 612591.

Allele frequency attached by ClinVar (database versions not stated): TOPMed 0.00002.
gnomAD v4.1: 24 of 1,553,218 alleles (0.0015%); highest among the groups gnomAD compares: African/African-American, 0.0027%; no homozygotes.

Submissions (3):

Labcorp Genetics (formerly Invitae), Labcorp
Classification: Uncertain significance for POLD1-related polyposis and colorectal cancer syndrome. Last evaluated: 2025-11-12. Review status: criteria provided, single submitter. Criteria: Invitae Variant Classification Sherloc (09022015). Collection method: clinical testing. Allele origin: germline.
Comment: This sequence change replaces valine, which is neutral and non-polar, with leucine, which is neutral and non-polar, at codon 65 of the POLD1 protein (p.Val65Leu). This variant is not present in population databases (gnomAD no frequency). This variant has not been reported in the literature in individuals affected with POLD1-related conditions. ClinVar contains an entry for this variant (Variation ID: 537055). Invitae Evidence Modeling of protein sequence and biophysical properties (such as structural, functional, and spatial information, amino acid conservation, physicochemical variation, residue mobility, and thermodynamic stability) indicates that this missense variant is not expected to disrupt POLD1 protein function with a negative predictive value of 80%. In summary, the available evidence is currently insufficient to determine the role of this variant in disease. Therefore, it has been classified as a Variant of Uncertain Significance.

GeneDx
Classification: Uncertain significance. Last evaluated: 2024-05-31. Review status: criteria provided, single submitter. Criteria: GeneDx Variant Classification Process June 2021. Collection method: clinical testing. Allele origin: germline. Affected: yes.
Comment: Not observed at significant frequency in large population cohorts (gnomAD); In silico analysis indicates that this missense variant does not alter protein structure/function; Has not been previously published as pathogenic or benign to our knowledge

Ambry Genetics
Classification: Likely benign for Hereditary cancer-predisposing syndrome. Last evaluated: 2024-03-28. Review status: criteria provided, single submitter. Criteria: Ambry Variant Classification Scheme 2023. Collection method: clinical testing. Allele origin: germline.